The following is an entry in ClinVar:

ClinVar aggregate classification (germline): Uncertain significance (1 of 4 stars; one submission).

Conditions:
Severe early-onset pulmonary alveolar proteinosis due to MARS deficiency. Also called: PULMONARY ALVEOLAR PROTEINOSIS, REUNION ISLAND; Interstitial lung and liver disease. Identifiers: Orphanet 440427, MedGen C4225400, MONDO:0014206, OMIM 615486.
Charcot-Marie-Tooth disease axonal type 2U. Also called: CHARCOT-MARIE-TOOTH NEUROPATHY, TYPE 2U; CHARCOT-MARIE-TOOTH DISEASE, AXONAL, AUTOSOMAL DOMINANT, TYPE 2U. Identifiers: Orphanet 397735, MedGen C4084821, MONDO:0014566, OMIM 616280.

Allele frequency attached by ClinVar (database versions not stated): gnomAD 0.00001; TOPMed 0.00001.
gnomAD v4.1: 1 of 1,614,080 alleles (0.000062%); highest among the groups gnomAD compares: African/African-American, 0.0013%; no homozygotes.

Submission:

Labcorp Genetics (formerly Invitae), Labcorp
Classification: Uncertain significance for Charcot-Marie-Tooth disease axonal type 2U; Severe early-onset pulmonary alveolar proteinosis due to MARS deficiency. Last evaluated: 2023-08-31. Review status: criteria provided, single submitter. Criteria: Invitae Variant Classification Sherloc (09022015). Collection method: clinical testing. Allele origin: germline.
Comment: In summary, the available evidence is currently insufficient to determine the role of this variant in disease. Therefore, it has been classified as a Variant of Uncertain Significance. An algorithm developed to predict the effect of missense changes on protein structure and function (PolyPhen-2) suggests that this variant is likely to be tolerated. This variant has not been reported in the literature in individuals affected with MARS-related conditions. This variant is not present in population databases (gnomAD no frequency). This sequence change replaces alanine, which is neutral and non-polar, with valine, which is neutral and non-polar, at codon 749 of the MARS protein (p.Ala749Val).

NM_004990.4(MARS1):c.2246C>T (p.Ala749Val)

Gene: MARS1 (methionyl-tRNA synthetase 1; plus strand). Cytogenetic location: 12q13.3.
Variant type: single nucleotide variant.
Coding change: c.2246C>T on transcript NM_004990.4 (MANE Select); coding-DNA position 2246, C replaced by T.
Protein change: p.Ala749Val; replaces alanine 749 with valine.
Molecular consequence: missense variant.
Genome position (GRCh38, 1-based): chr12:57,515,191, C>T. VCF-style: chr12-57515191-C-T. GRCh37 (hg19) VCF-style: chr12-57908974-C-T.
Other names: short protein forms A749V.
Identifiers: ClinVar variation 2939029 (VCV002939029.3), dbSNP rs1877732691, ClinGen allele CA385466126.